The following is an entry in ClinVar:

ClinVar aggregate classification (germline): Uncertain significance. Review status: criteria provided, multiple submitters, no conflicts (2 of 4 stars). 2 submissions from 2 submitters: Uncertain significance (2). Last evaluated 2024-07-19.

Allele frequency attached by ClinVar (database versions not stated): gnomAD 0.00001; ExAC 0.00002; gnomAD exomes 0.00002.
gnomAD v4.1: 33 of 1,613,936 alleles (0.002%); highest among the groups gnomAD compares: South Asian, 0.018%; no homozygotes.

Submissions (2):

Blueprint Genetics
Classification: Uncertain significance. Last evaluated: 2024-07-19. Review status: criteria provided, single submitter. Criteria: ACMG Guidelines, 2015. Collection method: clinical testing. Allele origin: germline.

Labcorp Genetics (formerly Invitae), Labcorp
Classification: Uncertain significance. Last evaluated: 2022-03-05. Review status: criteria provided, single submitter. Criteria: Invitae Variant Classification Sherloc (09022015). Collection method: clinical testing. Allele origin: germline.
Comment: This sequence change replaces alanine, which is neutral and non-polar, with threonine, which is neutral and polar, at codon 457 of the ABCC6 protein (p.Ala457Thr). This variant is present in population databases (rs775349711, gnomAD 0.02%). This variant has not been reported in the literature in individuals affected with ABCC6-related conditions. Advanced modeling of protein sequence and biophysical properties (such as structural, functional, and spatial information, amino acid conservation, physicochemical variation, residue mobility, and thermodynamic stability) performed at Invitae indicates that this missense variant is not expected to disrupt ABCC6 protein function. In summary, the available evidence is currently insufficient to determine the role of this variant in disease. Therefore, it has been classified as a Variant of Uncertain Significance.

NM_001171.6(ABCC6):c.1369G>A (p.Ala457Thr)

Gene: ABCC6 (ATP binding cassette subfamily C member 6; minus strand). Cytogenetic location: 16p13.11.
Variant type: single nucleotide variant.
Coding change: c.1369G>A on transcript NM_001171.6 (MANE Select); coding-DNA position 1369, G replaced by A.
Protein change: p.Ala457Thr; replaces alanine 457 with threonine.
Molecular consequence: missense variant. On other transcripts: non-coding transcript variant (1).
Genome position (GRCh38, 1-based): chr16:16,192,892, C>T on the plus strand (G>A on the coding strand, the complement: ABCC6 is on the minus strand). VCF-style: chr16-16192892-C-T. GRCh37 (hg19) VCF-style: chr16-16286749-C-T.
Other names: c.1027G>A, p.Ala343Thr (NM_001351800.1); short protein forms A457T, A343T.
Identifiers: ClinVar variation 1900806 (VCV001900806.3), dbSNP rs775349711, ClinGen allele CA7926325.
Genomic context (GRCh38, chr16:16,192,892, plus strand): 5'-GATGGTGGTTCCTTTTCTTGGAGATGAAGAAATTCAGAGGGAGGAGGCTCAGGAAGACAG[C>T]GATGGCAGTGAGGGCGGAGGGCCCCAGGAGCTGGGGATAGAAGGGGCAGGATGTCAGGAG-3'
Protein context (NP_001162.5, residues 447-467): LLGPSALTAI[Ala457Thr]VFLSLLPLNF